The following is an entry in ClinVar:

NM_000540.3(RYR1):c.14573A>G (p.Asn4858Ser)

Gene: RYR1 (ryanodine receptor 1; plus strand). Cytogenetic location: 19q13.2.
Variant type: single nucleotide variant.
Coding change: c.14573A>G on transcript NM_000540.3 (MANE Select); coding-DNA position 14573, A replaced by G.
Protein change: p.Asn4858Ser; replaces asparagine 4858 with serine.
Molecular consequence: missense variant.
Genome position (GRCh38, 1-based): chr19:38,580,431, A>G. VCF-style: chr19-38580431-A-G. GRCh37 (hg19) VCF-style: chr19-39071071-A-G.
Other names: p.Asn4858Ser; c.14558A>G, p.Asn4853Ser (NM_001042723.2); short protein forms N4858S, N4853S.
Identifiers: ClinVar variation 451444 (VCV000451444.7), dbSNP rs1555803933, ClinGen allele CA405687738.

ClinVar aggregate classification (germline): Conflicting classifications of pathogenicity. Review status: criteria provided, conflicting classifications (1 of 4 stars). 4 submissions from 4 submitters: Likely pathogenic (2); Uncertain significance (1). 1 of the submissions does not count toward it. Last evaluated 2025-03-04.

Conditions:
RYR1-related disorder. Also called: RYR1-related condition; RYR1-related disorders. Identifiers: MedGen CN239331.
Congenital multicore myopathy with external ophthalmoplegia (CMYO1B). Also called: Congenital myopathy 1B, autosomal recessive; Minicore myopathy; MULTIMINICORE DISEASE WITH EXTERNAL OPHTHALMOPLEGIA; MULTICORE MYOPATHY; Minicore myopathy with external ophthalmoplegia. Identifiers: Orphanet 598, Orphanet 98905, MedGen C1850674, MONDO:0009712, OMIM 255320, HP:0003789.

Allele frequency attached by ClinVar (database versions not stated): gnomAD exomes below 0.00001.
gnomAD v4.1: 2 of 1,614,062 alleles (0.00012%); highest among the groups gnomAD compares: Non-Finnish European, 0.000085%; no homozygotes.

Submissions (4):

Institute of Human Genetics, University of Leipzig Medical Center
Classification: Likely pathogenic for Congenital multicore myopathy with external ophthalmoplegia. Last evaluated: 2025-03-04. Review status: criteria provided, single submitter. Criteria: ACMG Guidelines, 2015. Collection method: clinical testing. Allele origin: paternal. Inheritance: Autosomal recessive inheritance. Affected: yes.
Comment: Criteria applied: PM1,PM3,PM5,PM2,PP3; Identified as compund heterozygous with NM_000540.3:c.15088C>T

Labcorp Genetics (formerly Invitae), Labcorp
Classification: Uncertain significance for RYR1-related disorder. Last evaluated: 2024-06-25. Review status: criteria provided, single submitter. Criteria: Invitae Variant Classification Sherloc (09022015). Collection method: clinical testing. Allele origin: germline.
Comment: This sequence change replaces asparagine, which is neutral and polar, with serine, which is neutral and polar, at codon 4858 of the RYR1 protein (p.Asn4858Ser). This variant is not present in population databases (gnomAD no frequency). This variant has not been reported in the literature in individuals affected with RYR1-related conditions. ClinVar contains an entry for this variant (Variation ID: 451444). Advanced modeling of protein sequence and biophysical properties (such as structural, functional, and spatial information, amino acid conservation, physicochemical variation, residue mobility, and thermodynamic stability) performed at Invitae indicates that this missense variant is expected to disrupt RYR1 protein function with a positive predictive value of 95%. In summary, the available evidence is currently insufficient to determine the role of this variant in disease. Therefore, it has been classified as a Variant of Uncertain Significance.

GeneDx
Classification: Likely pathogenic. Last evaluated: 2017-08-15. Review status: criteria provided, single submitter. Criteria: GeneDx Variant Classification (06012015). Collection method: clinical testing. Allele origin: germline. Affected: yes.
Comment: The N4858S variant in the RYR1 gene has not been reported previously as a pathogenic variant, nor as a benign variant, to our knowledge. The N4858S variant is not observed in large population cohorts (Lek et al., 2016; 1000 Genomes Consortium et al., 2015; Exome Variant Server). The N4858S variant is a conservative amino acid substitution, which is not likely to impact secondary protein structure as these residues share similar properties. This substitution occurs at a position that is conserved across species. In silico analysis predicts this variant is probably damaging to the protein structure/function. A missense variant in the same residue (N4858D), as well as missense variants in nearby residues (A4856G, F4860V, R4861C, R4861H) have been reported in the literature in association with central core disease and malignant hyperthermia (Wu et al., 2006; Robinson et al., 2006). We interpret N4858S as a likely pathogenic variant.

Undiagnosed Diseases Network, NIH
Classification: Likely pathogenic for RYR1-related condition. Last evaluated: 2023-02-28. Review status: no assertion criteria provided. Collection method: clinical testing. Allele origin: paternal. Affected: yes. Observed: 1 variant allele, 1 compound heterozygote. Study: Undiagnosed Diseases Network (NIH), UDN. Not counted in ClinVar's aggregate classification.